The following is an entry in ClinVar:

ClinVar aggregate classification (germline): Benign/Likely benign. Review status: criteria provided, multiple submitters, no conflicts (2 of 4 stars). 4 submissions from 4 submitters: Benign (1); Likely benign (3). Last evaluated 2026-06-01.

Conditions:
Loricrin keratoderma. Also called: Vohwinkel syndrome with ichthyosis. Identifiers: Orphanet 79395, MedGen C1858805, MONDO:0011396, OMIM 604117.

Allele frequency attached by ClinVar (database versions not stated): 1000 Genomes Project 0.00160; 1000 Genomes Project 30x 0.00172; TOPMed 0.00270.

Submissions (4):

CeGaT Center for Human Genetics Tuebingen
Classification: Benign. Last evaluated: 2026-06-01. Review status: criteria provided, single submitter. Criteria: CeGaT Center For Human Genetics Tuebingen Variant Classification Criteria Version 2. Collection method: clinical testing. Allele origin: germline. Affected: yes. Observed: 2 variant alleles.
Comment: LORICRIN: BP4, BS1, BS2

Labcorp Genetics (formerly Invitae), Labcorp
Classification: Likely benign. Last evaluated: 2025-05-29. Review status: criteria provided, single submitter. Criteria: Invitae Variant Classification Sherloc (09022015). Collection method: clinical testing. Allele origin: germline.

Blueprint Genetics
Classification: Likely benign. Last evaluated: 2024-11-20. Review status: criteria provided, single submitter. Criteria: ACMG Guidelines, 2015. Collection method: clinical testing. Allele origin: germline.

Molecular Genetics, Royal Melbourne Hospital
Classification: Likely benign for Loricrin keratoderma. Last evaluated: 2023-05-04. Review status: criteria provided, single submitter. Criteria: ACMG Guidelines, 2015. Collection method: clinical testing. Allele origin: germline. Affected: yes.
Comment: European Non-Finnish population allele frequency is 0.2738% (rs533773105, 199/64398 alleles, 1 homozygotes in gnomAD v3.1). Based on the classification scheme RMH Modified ACMG/AMP Guidelines v1.5.1, this variant is classified as LIKELY BENIGN. Following criteria are met: BS1

NM_000427.3(LORICRIN):c.272C>T (p.Ser91Phe)

Gene: LORICRIN (loricrin cornified envelope precursor protein; plus strand). Cytogenetic location: 1q21.3.
Variant type: single nucleotide variant.
Coding change: c.272C>T on transcript NM_000427.3 (MANE Select); coding-DNA position 272, C replaced by T.
Protein change: p.Ser91Phe; replaces serine 91 with phenylalanine.
Molecular consequence: missense variant.
Genome position (GRCh38, 1-based): chr1:153,261,221, C>T. VCF-style: chr1-153261221-C-T. GRCh37 (hg19) VCF-style: chr1-153233697-C-T.
Other names: short protein forms S91F.
Identifiers: ClinVar variation 2035667 (VCV002035667.14), dbSNP rs533773105, ClinGen allele CA1114320.